The following is an entry in ClinVar:

NM_004370.6(COL12A1):c.9130T>G (p.Cys3044Gly)

Gene: COL12A1 (collagen type XII alpha 1 chain; minus strand). Cytogenetic location: 6q13.
Variant type: single nucleotide variant.
Coding change: c.9130T>G on transcript NM_004370.6 (MANE Select); coding-DNA position 9130, T replaced by G.
Protein change: p.Cys3044Gly; replaces cysteine 3044 with glycine.
Molecular consequence: missense variant.
Genome position (GRCh38, 1-based): chr6:75,087,628, A>C on the plus strand (T>G on the coding strand, the complement: COL12A1 is on the minus strand). VCF-style: chr6-75087628-A-C. GRCh37 (hg19) VCF-style: chr6-75797344-A-C.
Other names: c.5638T>G, p.Cys1880Gly (NM_080645.3); short protein forms C3044G, C1880G.
Identifiers: ClinVar variation 1397437 (VCV001397437.8), dbSNP rs2149322777, ClinGen allele CA364732778.

ClinVar aggregate classification (germline): Uncertain significance (1 of 4 stars; one submission).

Conditions:
Ullrich congenital muscular dystrophy 2 (UCMD2). Identifiers: Orphanet 75840, MedGen C4225314, MONDO:0014654, OMIM 616470.
Bethlem myopathy 2 (BTHLM2). Identifiers: Orphanet 536516, Orphanet 610, MedGen C4225313, MONDO:0034022, OMIM 616471.

Submission:

Labcorp Genetics (formerly Invitae), Labcorp
Classification: Uncertain significance for Bethlem myopathy 2; Ullrich congenital muscular dystrophy 2. Last evaluated: 2021-05-30. Review status: criteria provided, single submitter. Criteria: Invitae Variant Classification Sherloc (09022015). Collection method: clinical testing. Allele origin: germline.
Comment: In summary, the available evidence is currently insufficient to determine the role of this variant in disease. Therefore, it has been classified as a Variant of Uncertain Significance. Algorithms developed to predict the effect of missense changes on protein structure and function are either unavailable or do not agree on the potential impact of this missense change (SIFT: "Deleterious"; PolyPhen-2: "Probably Damaging"; Align-GVGD: "Class C0"). This variant has not been reported in the literature in individuals with COL12A1-related conditions. This variant is not present in population databases (ExAC no frequency). This sequence change replaces cysteine with glycine at codon 3044 of the COL12A1 protein (p.Cys3044Gly). The cysteine residue is highly conserved and there is a large physicochemical difference between cysteine and glycine.